The following is an entry in ClinVar:

ClinVar aggregate classification (germline): Uncertain significance. Review status: criteria provided, multiple submitters, no conflicts (2 of 4 stars). 2 submissions from 2 submitters: Uncertain significance (2). Last evaluated 2024-10-23.

Conditions:
Inborn genetic diseases. Identifiers: MedGen C0950123, MeSH D030342.

Allele frequency attached by ClinVar (database versions not stated): ExAC 0.00002; 1000 Genomes Project 30x 0.00031; 1000 Genomes Project 0.00040.
gnomAD v4.1: 17 of 1,613,876 alleles (0.0011%); highest among the groups gnomAD compares: African/African-American, 0.023%; no homozygotes.

Submissions (2):

Labcorp Genetics (formerly Invitae), Labcorp
Classification: Uncertain significance. Last evaluated: 2024-10-23. Review status: criteria provided, single submitter. Criteria: Invitae Variant Classification Sherloc (09022015). Collection method: clinical testing. Allele origin: germline.
Comment: This sequence change replaces histidine, which is basic and polar, with glutamine, which is neutral and polar, at codon 276 of the LAMB3 protein (p.His276Gln). This variant is present in population databases (rs182105392, gnomAD 0.03%). This variant has not been reported in the literature in individuals affected with LAMB3-related conditions. An algorithm developed to predict the effect of missense changes on protein structure and function outputs the following: PolyPhen-2: "Benign". The glutamine amino acid residue is found in multiple mammalian species, which suggests that this missense change does not adversely affect protein function. In summary, the available evidence is currently insufficient to determine the role of this variant in disease. Therefore, it has been classified as a Variant of Uncertain Significance.

Ambry Genetics
Classification: Uncertain significance for Inborn genetic diseases. Last evaluated: 2024-08-26. Review status: criteria provided, single submitter. Criteria: Ambry Variant Classification Scheme 2023. Collection method: clinical testing. Allele origin: germline.

NM_000228.3(LAMB3):c.828C>G (p.His276Gln)

Gene: LAMB3 (laminin subunit beta 3; minus strand). Cytogenetic location: 1q32.2.
Variant type: single nucleotide variant.
Coding change: c.828C>G on transcript NM_000228.3 (MANE Select); coding-DNA position 828, C replaced by G.
Protein change: p.His276Gln; replaces histidine 276 with glutamine.
Molecular consequence: missense variant.
Genome position (GRCh38, 1-based): chr1:209,630,730, G>C on the plus strand (C>G on the coding strand, the complement: LAMB3 is on the minus strand). VCF-style: chr1-209630730-G-C. GRCh37 (hg19) VCF-style: chr1-209804075-G-C.
Other names: c.828C>G, p.His276Gln (NM_001017402.2, NM_001127641.1); c.828C>G (NM_000228.2); short protein forms H276Q.
Identifiers: ClinVar variation 2732063 (VCV002732063.3), dbSNP rs182105392, ClinGen allele CA1375808.